The following is an entry in ClinVar:

ClinVar aggregate classification (germline): Uncertain significance (1 of 4 stars; one submission).

Allele frequency attached by ClinVar (database versions not stated): gnomAD 0.00001 and 0.00002; ExAC 0.00003; gnomAD exomes 0.00003; TOPMed 0.00003; 1000 Genomes Project 0.00020; 1000 Genomes Project 30x 0.00031.
gnomAD v4.1: 72 of 1,572,348 alleles (0.0046%); highest among the groups gnomAD compares: Non-Finnish European, 0.006%; no homozygotes.

Submission:

Labcorp Genetics (formerly Invitae), Labcorp
Classification: Uncertain significance. Last evaluated: 2026-02-01. Review status: criteria provided, single submitter. Criteria: Invitae Variant Classification Sherloc (09022015). Collection method: clinical testing. Allele origin: germline.
Comment: This sequence change replaces glutamic acid, which is acidic and polar, with aspartic acid, which is acidic and polar, at codon 462 of the GUCY2C protein (p.Glu462Asp). This variant is present in population databases (rs556321610, gnomAD 0.006%). This variant has not been reported in the literature in individuals affected with GUCY2C-related conditions. ClinVar contains an entry for this variant (Variation ID: 1377506). Invitae Evidence Modeling of protein sequence and biophysical properties (such as structural, functional, and spatial information, amino acid conservation, physicochemical variation, residue mobility, and thermodynamic stability) indicates that this missense variant is not expected to disrupt GUCY2C protein function with a negative predictive value of 80%. In summary, the available evidence is currently insufficient to determine the role of this variant in disease. Therefore, it has been classified as a Variant of Uncertain Significance.

NM_004963.4(GUCY2C):c.1386A>T (p.Glu462Asp)

Gene: GUCY2C (guanylate cyclase 2C; minus strand). Cytogenetic location: 12p12.3.
Variant type: single nucleotide variant.
Coding change: c.1386A>T on transcript NM_004963.4 (MANE Select); coding-DNA position 1386, A replaced by T.
Protein change: p.Glu462Asp; replaces glutamic acid 462 with aspartic acid.
Molecular consequence: missense variant.
Genome position (GRCh38, 1-based): chr12:14,656,596, T>A on the plus strand (A>T on the coding strand, the complement: GUCY2C is on the minus strand). VCF-style: chr12-14656596-T-A. GRCh37 (hg19) VCF-style: chr12-14809530-T-A.
Other names: short protein forms E462D.
Identifiers: ClinVar variation 1377506 (VCV001377506.6), dbSNP rs556321610, ClinGen allele CA6463433.
Genomic context (GRCh38, chr12:14,656,596, plus strand): 5'-ATTGGTCTCCAGAGGAAAGATATTTTCAGGAGGAATGTGGGACCATTTTTTCTGACGAAG[T>A]TCATAATCTTTTCTATATTTTCTGTGAAAGGAATAAAACTGGTCAATAGGTTTTTATTAA-3'
Protein context (NP_004954.2, residues 452-472): LMLRKYRKDY[Glu462Asp]LRQKKWSHIP